The following is an entry in ClinVar:

ClinVar aggregate classification (germline): Uncertain significance. Review status: criteria provided, multiple submitters, no conflicts (2 of 4 stars). 2 submissions from 2 submitters: Uncertain significance (2). Last evaluated 2025-02-03.

gnomAD v4.1: 3 of 1,613,632 alleles (0.00019%); highest among the groups gnomAD compares: Non-Finnish European, 0.00025%; no homozygotes.

Submissions (2):

Labcorp Genetics (formerly Invitae), Labcorp
Classification: Uncertain significance. Last evaluated: 2025-02-03. Review status: criteria provided, single submitter. Criteria: Invitae Variant Classification Sherloc (09022015). Collection method: clinical testing. Allele origin: germline.
Comment: This sequence change replaces glycine, which is neutral and non-polar, with serine, which is neutral and polar, at codon 2891 of the USH2A protein (p.Gly2891Ser). This variant is not present in population databases (gnomAD no frequency). This missense change has been observed in individual(s) with retinitis pigmentosa (PMID: 31054281). ClinVar contains an entry for this variant (Variation ID: 1002386). Invitae Evidence Modeling of protein sequence and biophysical properties (such as structural, functional, and spatial information, amino acid conservation, physicochemical variation, residue mobility, and thermodynamic stability) indicates that this missense variant is not expected to disrupt USH2A protein function with a negative predictive value of 95%. In summary, the available evidence is currently insufficient to determine the role of this variant in disease. Therefore, it has been classified as a Variant of Uncertain Significance.

Women's Health and Genetics/Laboratory Corporation of America, LabCorp
Classification: Uncertain significance. Last evaluated: 2024-12-20. Review status: criteria provided, single submitter. Criteria: LabCorp Variant Classification Summary - May 2015. Collection method: clinical testing. Allele origin: germline.
Comment: Variant summary: USH2A c.8671G>A (p.Gly2891Ser) results in a non-conservative amino acid change located in the Fibronectin type-III domain (IPR003961) of the encoded protein sequence. Three of five in-silico tools predict a benign effect of the variant on protein function. The variant was absent in 251280 control chromosomes. The available data on variant occurrences in the general population are insufficient to allow any conclusion about variant significance. c.8671G>A has been reported in the literature in two individuals from a cohort of retinitis pigmentosa, without primary information (Gao_2019). These report(s) do not provide unequivocal conclusions about association of the variant with Usher Syndrome. To our knowledge, no experimental evidence demonstrating an impact on protein function has been reported. The following publication has been ascertained in the context of this evaluation (PMID: 31054281). ClinVar contains an entry for this variant (Variation ID: 1002386). Based on the evidence outlined above, the variant was classified as uncertain significance.

Literature cited by the submitters: PubMed 31054281 (cited by Labcorp Genetics (formerly Invitae), Labcorp and Women's Health and Genetics/Laboratory Corporation of America, LabCorp).

NM_206933.4(USH2A):c.8671G>A (p.Gly2891Ser)

Gene: USH2A (usherin; minus strand). Cytogenetic location: 1q41.
Variant type: single nucleotide variant.
Coding change: c.8671G>A on transcript NM_206933.4 (MANE Select); coding-DNA position 8671, G replaced by A.
Protein change: p.Gly2891Ser; replaces glycine 2891 with serine.
Molecular consequence: missense variant.
Genome position (GRCh38, 1-based): chr1:215,877,768, C>T on the plus strand (G>A on the coding strand, the complement: USH2A is on the minus strand). VCF-style: chr1-215877768-C-T. GRCh37 (hg19) VCF-style: chr1-216051110-C-T.
Other names: short protein forms G2891S.
Identifiers: ClinVar variation 1002386 (VCV001002386.6), dbSNP rs1316891540, ClinGen allele CA344828868.